The following is an entry in ClinVar:

NM_005591.4(MRE11):c.2070+4A>G

Gene: MRE11 (MRE11 double strand break repair nuclease; minus strand). Cytogenetic location: 11q21.
Variant type: single nucleotide variant.
Coding change: c.2070+4A>G on transcript NM_005591.4 (MANE Select); 4 bases into the intron after coding-DNA position 2070, A replaced by G.
Molecular consequence: intron variant.
Genome position (GRCh38, 1-based): chr11:94,429,907, T>C on the plus strand (A>G on the coding strand, the complement: MRE11 is on the minus strand). VCF-style: chr11-94429907-T-C. GRCh37 (hg19) VCF-style: chr11-94163073-T-C.
Other names: c.2067+4A>G (NM_001330347.2); c.1986+4A>G (NM_005590.4).
Identifiers: ClinVar variation 820631 (VCV000820631.4), dbSNP rs1458730649, ClinGen allele CA915947738.

ClinVar aggregate classification (germline): Uncertain significance (1 of 4 stars; one submission).

Conditions:
Hereditary cancer-predisposing syndrome. Also called: Neoplastic Syndromes, Hereditary; Tumor predisposition; Hereditary Cancer Syndrome; Hereditary neoplastic syndrome. Identifiers: Orphanet 140162, MedGen C0027672, MeSH D009386, MONDO:0015356.

Submission:

Ambry Genetics
Classification: Uncertain significance for Hereditary cancer-predisposing syndrome. Last evaluated: 2018-04-19. Review status: criteria provided, single submitter. Criteria: Ambry Variant Classification Scheme 2023. Collection method: clinical testing. Allele origin: germline.
Comment: The c.2070+4A>G intronic variant results from an A to G substitution 4 nucleotides after coding exon 18 in the MRE11A gene. This nucleotide position is highly conserved in available vertebrate species. Using the BDGP and ESEfinder splice site prediction tools, this alteration is predicted to weaken the efficiency of the native splice donor site; however, direct evidence is unavailable. Since supporting evidence is limited at this time, the clinical significance of this alteration remains unclear.